The following is an entry in ClinVar:

NM_001378454.1(ALMS1):c.8215G>C (p.Gly2739Arg)

Gene: ALMS1 (ALMS1 centrosome and basal body associated protein; plus strand). Cytogenetic location: 2p13.1.
Variant type: single nucleotide variant.
Coding change: c.8215G>C on transcript NM_001378454.1 (MANE Select); coding-DNA position 8215, G replaced by C.
Protein change: p.Gly2739Arg; replaces glycine 2739 with arginine.
Molecular consequence: missense variant.
Genome position (GRCh38, 1-based): chr2:73,490,174, G>C. VCF-style: chr2-73490174-G-C. GRCh37 (hg19) VCF-style: chr2-73717301-G-C.
Other names: c.8218G>C, p.Gly2740Arg (NM_015120.4); short protein forms G2740R, G2739R.
Identifiers: ClinVar variation 4275257 (VCV004275257.1).

ClinVar aggregate classification (germline): Uncertain significance (1 of 4 stars; one submission).

Conditions:
Cardiovascular phenotype. Identifiers: MedGen CN230736.

Submission:

Ambry Genetics
Classification: Uncertain significance for Cardiovascular phenotype. Last evaluated: 2025-08-25. Review status: criteria provided, single submitter. Criteria: Ambry Variant Classification Scheme 2023. Collection method: clinical testing. Allele origin: germline.
Comment: The p.G2740R variant (also known as c.8218G>C), located in coding exon 10 of the ALMS1 gene, results from a G to C substitution at nucleotide position 8218. The glycine at codon 2740 is replaced by arginine, an amino acid with dissimilar properties. This amino acid position is well conserved in available vertebrate species. In addition, this alteration is predicted to be tolerated by in silico analysis. Based on the available evidence, the clinical significance of this variant remains unclear.